The following is an entry in ClinVar:

ClinVar aggregate classification (germline): Uncertain significance. Review status: criteria provided, multiple submitters, no conflicts (2 of 4 stars). 3 submissions from 3 submitters: Uncertain significance (3). Last evaluated 2026-06-24.

Conditions:
Inborn genetic diseases. Identifiers: MedGen C0950123, MeSH D030342.
Developmental delay, hypotonia, musculoskeletal defects, and behavioral abnormalities. Identifiers: MedGen C5562012, MONDO:0859202, OMIM 619595.
Floating-Harbor syndrome (FLHS). Also called: Short stature with delayed bone age, expressive language delay, a triangular face with a prominent nose and deep-set eyes; Pelletier-Leisti syndrome; SRCAP-Related Floating-Harbor Syndrome. Identifiers: Orphanet 2044, MedGen C0729582, MONDO:0007621, OMIM 136140.

gnomAD v4.1: 7 of 1,614,044 alleles (0.00043%); highest among the groups gnomAD compares: Non-Finnish European, 0.00042%; no homozygotes.

Submissions (3):

Women's Health and Genetics/Laboratory Corporation of America, LabCorp
Classification: Uncertain significance. Last evaluated: 2026-06-24. Review status: criteria provided, single submitter. Criteria: LabCorp Variant Classification Summary - May 2015. Collection method: clinical testing. Allele origin: germline.
Comment: Variant summary: SRCAP c.5257C>T (p.Pro1753Ser) results in a non-conservative amino acid change in the encoded protein sequence. Algorithms developed to predict the effect of missense changes on protein structure and function are either unavailable or do not agree on the potential impact of this missense change. The variant allele was found at a frequency of 4e-06 in 250124 control chromosomes. The available data on variant occurrences in the general population are insufficient to allow any conclusion about variant significance. To our knowledge, no occurrence of c.5257C>T in individuals affected with SRCAP-related conditions and no experimental evidence demonstrating its impact on protein function have been reported. ClinVar contains an entry for this variant (Variation ID: 3580163). Based on the evidence outlined above, the variant was classified as uncertain significance.

Ambry Genetics
Classification: Uncertain significance for Inborn genetic diseases. Last evaluated: 2025-11-26. Review status: criteria provided, single submitter. Criteria: Ambry Variant Classification Scheme 2023. Collection method: clinical testing. Allele origin: germline.

Fulgent Genetics
Classification: Uncertain significance for Floating-Harbor syndrome; Developmental delay, hypotonia, musculoskeletal defects, and behavioral abnormalities. Last evaluated: 2024-01-21. Review status: criteria provided, single submitter. Criteria: ACMG Guidelines, 2015. Collection method: clinical testing. Allele origin: germline.

NM_006662.3(SRCAP):c.5257C>T (p.Pro1753Ser)

Gene: SRCAP (Snf2 related CREBBP activator protein; plus strand). Cytogenetic location: 16p11.2.
Variant type: single nucleotide variant.
Coding change: c.5257C>T on transcript NM_006662.3 (MANE Select); coding-DNA position 5257, C replaced by T.
Protein change: p.Pro1753Ser; replaces proline 1753 with serine.
Molecular consequence: missense variant.
Genome position (GRCh38, 1-based): chr16:30,724,681, C>T. VCF-style: chr16-30724681-C-T. GRCh37 (hg19) VCF-style: chr16-30736002-C-T.
Other names: c.5257C>T (NM_006662.2); short protein forms P1753S.
Identifiers: ClinVar variation 3580163 (VCV003580163.3).